The following is an entry in ClinVar:

ClinVar aggregate classification (germline): Uncertain significance (1 of 4 stars; one submission).

Submission:

Labcorp Genetics (formerly Invitae), Labcorp
Classification: Uncertain significance. Last evaluated: 2023-08-10. Review status: criteria provided, single submitter. Criteria: Invitae Variant Classification Sherloc (09022015). Collection method: clinical testing. Allele origin: germline.
Comment: Advanced modeling of protein sequence and biophysical properties (such as structural, functional, and spatial information, amino acid conservation, physicochemical variation, residue mobility, and thermodynamic stability) performed at Invitae indicates that this missense variant is expected to disrupt SAMD9L protein function. In summary, the available evidence is currently insufficient to determine the role of this variant in disease. Therefore, it has been classified as a Variant of Uncertain Significance. This variant has not been reported in the literature in individuals affected with SAMD9L-related conditions. This variant is not present in population databases (gnomAD no frequency). This sequence change replaces tryptophan, which is neutral and slightly polar, with leucine, which is neutral and non-polar, at codon 695 of the SAMD9L protein (p.Trp695Leu).

NM_152703.5(SAMD9L):c.2084G>T (p.Trp695Leu)

Gene: SAMD9L (sterile alpha motif domain containing 9 like; minus strand). Cytogenetic location: 7q21.2.
Variant type: single nucleotide variant.
Coding change: c.2084G>T on transcript NM_152703.5 (MANE Select); coding-DNA position 2084, G replaced by T.
Protein change: p.Trp695Leu; replaces tryptophan 695 with leucine.
Molecular consequence: missense variant.
Genome position (GRCh38, 1-based): chr7:93,133,888, C>A on the plus strand (G>T on the coding strand, the complement: SAMD9L is on the minus strand). VCF-style: chr7-93133888-C-A. GRCh37 (hg19) VCF-style: chr7-92763201-C-A.
Other names: c.2084G>T, p.Trp695Leu (NM_001303496.3, NM_001303497.3, NM_001303498.3 and 5 more transcripts); short protein forms W695L.
Identifiers: ClinVar variation 2832599 (VCV002832599.3), dbSNP rs750563993, ClinGen allele CA368193120.